The following is an entry in ClinVar:

ClinVar aggregate classification (germline): Uncertain significance (1 of 4 stars; one submission).

Submission:

Labcorp Genetics (formerly Invitae), Labcorp
Classification: Uncertain significance. Last evaluated: 2025-12-18. Review status: criteria provided, single submitter. Criteria: Invitae Variant Classification Sherloc (09022015). Collection method: clinical testing. Allele origin: germline.
Comment: This sequence change replaces leucine, which is neutral and non-polar, with valine, which is neutral and non-polar, at codon 836 of the KDM5A protein (p.Leu836Val). This variant is not present in population databases (gnomAD no frequency). This variant has not been reported in the literature in individuals affected with KDM5A-related conditions. Invitae Evidence Modeling of protein sequence and biophysical properties (such as structural, functional, and spatial information, amino acid conservation, physicochemical variation, residue mobility, and thermodynamic stability) indicates that this missense variant is not expected to disrupt KDM5A protein function with a negative predictive value of 80%. In summary, the available evidence is currently insufficient to determine the role of this variant in disease. Therefore, it has been classified as a Variant of Uncertain Significance.

NM_001042603.3(KDM5A):c.2506C>G (p.Leu836Val)

Gene: KDM5A (lysine demethylase 5A; minus strand). Cytogenetic location: 12p13.33.
Variant type: single nucleotide variant.
Coding change: c.2506C>G on transcript NM_001042603.3 (MANE Select); coding-DNA position 2506, C replaced by G.
Protein change: p.Leu836Val; replaces leucine 836 with valine.
Molecular consequence: missense variant.
Genome position (GRCh38, 1-based): chr12:321,030, G>C on the plus strand (C>G on the coding strand, the complement: KDM5A is on the minus strand). VCF-style: chr12-321030-G-C. GRCh37 (hg19) VCF-style: chr12-430196-G-C.
Other names: short protein forms L836V.
Identifiers: ClinVar variation 4738975 (VCV004738975.1).